The following is an entry in ClinVar:

NM_006231.4(POLE):c.6419A>G (p.Glu2140Gly)

Gene: POLE (DNA polymerase epsilon, catalytic subunit; minus strand). Cytogenetic location: 12q24.33.
Variant type: single nucleotide variant.
Coding change: c.6419A>G on transcript NM_006231.4 (MANE Select); coding-DNA position 6419, A replaced by G.
Protein change: p.Glu2140Gly; replaces glutamic acid 2140 with glycine.
Molecular consequence: missense variant.
Genome position (GRCh38, 1-based): chr12:132,626,229, T>C on the plus strand (A>G on the coding strand, the complement: POLE is on the minus strand). VCF-style: chr12-132626229-T-C. GRCh37 (hg19) VCF-style: chr12-133202815-T-C.
Other names: c.6419A>G (NM_006231.2); short protein forms E2140G.
Identifiers: ClinVar variation 1061246 (VCV001061246.10), dbSNP rs750313372, ClinGen allele CA6892184.
Genomic context (GRCh38, chr12:132,626,229, plus strand): 5'-CTGCGGCAGATGACCTCAGGAAGCACGTAGGAGCGGCAGGGGTCTCGGAACTGGGCCTCC[T>C]CGGAGAACTCGCCGACATCCACCAGGCGAAGCAGGTCTCGGTTCAGCTTATTCACCTGGT-3'
Protein context (NP_006222.2, residues 2130-2150): LRLVDVGEFS[Glu2140Gly]EAQFRDPCRS

ClinVar aggregate classification (germline): Uncertain significance. Review status: criteria provided, multiple submitters, no conflicts (2 of 4 stars). 2 submissions from 2 submitters: Uncertain significance (2). Last evaluated 2026-01-22.

Conditions:
Hereditary cancer-predisposing syndrome. Also called: Neoplastic Syndromes, Hereditary; Hereditary Cancer Syndrome; Hereditary neoplastic syndrome; Tumor predisposition. Identifiers: Orphanet 140162, MedGen C0027672, MeSH D009386, MONDO:0015356.

Allele frequency attached by ClinVar (database versions not stated): gnomAD exomes below 0.00001; ExAC 0.00001.
gnomAD v4.1: 1 of 1,613,780 alleles (0.000062%); highest among the groups gnomAD compares: Admixed American, 0.0017%; no homozygotes.

Submissions (2):

Labcorp Genetics (formerly Invitae), Labcorp
Classification: Uncertain significance. Last evaluated: 2026-01-22. Review status: criteria provided, single submitter. Criteria: Invitae Variant Classification Sherloc (09022015). Collection method: clinical testing. Allele origin: germline.
Comment: This sequence change replaces glutamic acid, which is acidic and polar, with glycine, which is neutral and non-polar, at codon 2140 of the POLE protein (p.Glu2140Gly). This variant is present in population databases (rs750313372, gnomAD 0.003%). This variant has not been reported in the literature in individuals affected with POLE-related conditions. ClinVar contains an entry for this variant (Variation ID: 1061246). Invitae Evidence Modeling of protein sequence and biophysical properties (such as structural, functional, and spatial information, amino acid conservation, physicochemical variation, residue mobility, and thermodynamic stability) indicates that this missense variant is not expected to disrupt POLE protein function with a negative predictive value of 80%. In summary, the available evidence is currently insufficient to determine the role of this variant in disease. Therefore, it has been classified as a Variant of Uncertain Significance.

Ambry Genetics
Classification: Uncertain significance for Hereditary cancer-predisposing syndrome. Last evaluated: 2023-11-02. Review status: criteria provided, single submitter. Criteria: Ambry Variant Classification Scheme 2023. Collection method: clinical testing. Allele origin: germline.
Comment: The p.E2140G variant (also known as c.6419A>G), located in coding exon 46 of the POLE gene, results from an A to G substitution at nucleotide position 6419. The glutamic acid at codon 2140 is replaced by glycine, an amino acid with similar properties. This amino acid position is conserved. In addition, this alteration is predicted to be tolerated by in silico analysis. Since supporting evidence is limited at this time, the clinical significance of this alteration remains unclear.